The following is an entry in ClinVar:

NM_000252.3(MTM1):c.530G>T (p.Gly177Val)

Gene: MTM1 (myotubularin 1; plus strand). Cytogenetic location: Xq28.
Variant type: single nucleotide variant.
Coding change: c.530G>T on transcript NM_000252.3 (MANE Select); coding-DNA position 530, G replaced by T.
Protein change: p.Gly177Val; replaces glycine 177 with valine.
Molecular consequence: missense variant.
Genome position (GRCh38, 1-based): chrX:150,641,270, G>T. VCF-style: chrX-150641270-G-T. GRCh37 (hg19) VCF-style: chrX-149809743-G-T.
Other names: c.530G>T, p.Gly177Val (NM_001376906.1, NM_001376908.1); c.419G>T, p.Gly140Val (NM_001376907.1); short protein forms G177V, G140V.
Identifiers: ClinVar variation 649438 (VCV000649438.9), dbSNP rs1603187659, ClinGen allele CA415255924.

ClinVar aggregate classification (germline): Uncertain significance (1 of 4 stars; one submission).

Conditions:
Severe X-linked myotubular myopathy (CNMX). Also called: X-linked centronuclear myopathy; Myotubular myopathy, X-linked; MYOTUBULAR MYOPATHY 1. Identifiers: Orphanet 596, MedGen C0410203, MONDO:0010683, OMIM 310400.

Submission:

Labcorp Genetics (formerly Invitae), Labcorp
Classification: Uncertain significance for Severe X-linked myotubular myopathy. Last evaluated: 2018-08-21. Review status: criteria provided, single submitter. Criteria: Invitae Variant Classification Sherloc (09022015). Collection method: clinical testing. Allele origin: germline.
Comment: This sequence change replaces glycine with valine at codon 177 of the MTM1 protein (p.Gly177Val). The glycine residue is highly conserved and there is a moderate physicochemical difference between glycine and valine. In summary, the available evidence is currently insufficient to determine the role of this variant in disease. Therefore, it has been classified as a Variant of Uncertain Significance. Algorithms developed to predict the effect of sequence changes on RNA splicing suggest that this variant may create or strengthen a splice site, but this prediction has not been confirmed by published transcriptional studies. Algorithms developed to predict the effect of missense changes on protein structure and function are either unavailable or do not agree on the potential impact of this missense change (SIFT: "Deleterious"; PolyPhen-2: "Possibly Damaging"; Align-GVGD: "Class C0"). This variant has not been reported in the literature in individuals with MTM1-related disease. This variant is not present in population databases (ExAC no frequency).